The following is an entry in ClinVar:

NM_004525.3(LRP2):c.3667C>T (p.Pro1223Ser)

Gene: LRP2 (LDL receptor related protein 2; minus strand). Cytogenetic location: 2q31.1.
Variant type: single nucleotide variant.
Coding change: c.3667C>T on transcript NM_004525.3 (MANE Select); coding-DNA position 3667, C replaced by T.
Protein change: p.Pro1223Ser; replaces proline 1223 with serine.
Molecular consequence: missense variant.
Genome position (GRCh38, 1-based): chr2:169,242,956, G>A on the plus strand (C>T on the coding strand, the complement: LRP2 is on the minus strand). VCF-style: chr2-169242956-G-A. GRCh37 (hg19) VCF-style: chr2-170099466-G-A.
Other names: c.3667C>T (NM_004525.2); short protein forms P1223S.
Identifiers: ClinVar variation 1051876 (VCV001051876.11), dbSNP rs145657082, ClinGen allele CA1954977.
Genomic context (GRCh38, chr2:169,242,956, plus strand): 5'-AATACTGGCAAAAATGAAATGACCCCTTTGTCTGAAACATTCTGGGTATGTGTTACTTAC[G>A]ACAGCCTGCTTCATCCGAGTTGTCACTGCAATCAAAAACACCATCACAACGATTTGTGAC-3'
Protein context (NP_004516.2, residues 1213-1233): CSDNSDEAGC[Pro1223Ser]TRPPGMCHSD

ClinVar aggregate classification (germline): Uncertain significance. Review status: criteria provided, multiple submitters, no conflicts (2 of 4 stars). 4 submissions from 4 submitters: Uncertain significance (4). Last evaluated 2025-05-28.

Conditions:
LRP2-related disorder. Also called: LRP2-related condition.
Inborn genetic diseases. Identifiers: MedGen C0950123, MeSH D030342.
Donnai-Barrow syndrome. Also called: DBS/FOAR SYNDROME; FACIOOCULOACOUSTICORENAL SYNDROME. Identifiers: Orphanet 2143, MedGen C1857277, MONDO:0009104, OMIM 222448.

Allele frequency attached by ClinVar (database versions not stated): gnomAD exomes 0.00002 and 0.00004; ExAC 0.00006; gnomAD 0.00013 and 0.00014; TOPMed 0.00017; ESP Exome Variant Server 0.00023.
gnomAD v4.1: 51 of 1,611,342 alleles (0.0032%); highest among the groups gnomAD compares: African/African-American, 0.051%; no homozygotes.

Submissions (4):

PreventionGenetics, part of Exact Sciences
Classification: Uncertain significance for LRP2-related condition. Last evaluated: 2025-05-28. Review status: criteria provided, single submitter. Criteria: ACMG Guidelines, 2015. Collection method: clinical testing. Allele origin: germline.
Comment: The LRP2 c.3667C>T variant is predicted to result in the amino acid substitution p.Pro1223Ser. To our knowledge, this variant has not been reported in the literature. This variant is reported in 0.056% of alleles in individuals of African descent in gnomAD. Although we suspect that this variant may be benign, at this time, the clinical significance of this variant is uncertain due to the absence of conclusive functional and genetic evidence.

Labcorp Genetics (formerly Invitae), Labcorp
Classification: Uncertain significance. Last evaluated: 2024-10-21. Review status: criteria provided, single submitter. Criteria: Invitae Variant Classification Sherloc (09022015). Collection method: clinical testing. Allele origin: germline.
Comment: This sequence change replaces proline, which is neutral and non-polar, with serine, which is neutral and polar, at codon 1223 of the LRP2 protein (p.Pro1223Ser). This variant is present in population databases (rs145657082, gnomAD 0.05%). This variant has not been reported in the literature in individuals affected with LRP2-related conditions. ClinVar contains an entry for this variant (Variation ID: 1051876). An algorithm developed to predict the effect of missense changes on protein structure and function outputs the following: PolyPhen-2: "Benign". The serine amino acid residue is found in multiple mammalian species, which suggests that this missense change does not adversely affect protein function. In summary, the available evidence is currently insufficient to determine the role of this variant in disease. Therefore, it has been classified as a Variant of Uncertain Significance.

Fulgent Genetics
Classification: Uncertain significance for Donnai-Barrow syndrome. Last evaluated: 2024-03-29. Review status: criteria provided, single submitter. Criteria: ACMG Guidelines, 2015. Collection method: clinical testing. Allele origin: germline.

Ambry Genetics
Classification: Uncertain significance for Inborn genetic diseases. Last evaluated: 2021-01-13. Review status: criteria provided, single submitter. Criteria: Ambry Variant Classification Scheme 2023. Collection method: clinical testing. Allele origin: germline.
Comment: The c.3667C>T (p.P1223S) alteration is located in exon 24 (coding exon 24) of the LRP2 gene. This alteration results from a C to T substitution at nucleotide position 3667, causing the proline (P) at amino acid position 1223 to be replaced by a serine (S). The p.P1223S alteration is predicted to be tolerated by in silico analysis. Based on insufficient or conflicting evidence, the clinical significance of this alteration remains unclear.